The following is an entry in ClinVar:

NM_001130987.2(DYSF):c.6322-1G>A

Gene: DYSF (dysferlin; plus strand). Cytogenetic location: 2p13.2.
Variant type: single nucleotide variant.
Coding change: c.6322-1G>A on transcript NM_001130987.2 (MANE Select); the canonical splice acceptor site of the intron before coding-DNA position 6322, G replaced by A.
Molecular consequence: splice acceptor variant.
Genome position (GRCh38, 1-based): chr2:71,686,453, G>A. VCF-style: chr2-71686453-G-A. GRCh37 (hg19) VCF-style: chr2-71913583-G-A.
Other names: c.6298-1G>A (NM_001130979.2); c.6319-1G>A (NM_001130981.2); c.6256-1G>A (NM_001130980.2); c.6268-1G>A (NM_001130978.2); c.6205-1G>A (NM_003494.4); c.6226-1G>A (NM_001130977.2); c.6163-1G>A (NM_001130976.2); c.6301-1G>A (NM_001130982.2); and 5 more.
Identifiers: ClinVar variation 4760336 (VCV004760336.1).
Genomic context (GRCh38, chr2:71,686,453, plus strand): 5'-GCTCTGGCTGTGCCTGCCCCAGTGGGATCACCATGGGTCCCTGTCTCCTCCCTCCCTCCA[G>A]AACTATGCTGCCATGAAGCTGGTGAAGCCCTTCAGCTGAGGACTCTCCTGCCCTGTAGAA-3'

ClinVar aggregate classification (germline): Uncertain significance (1 of 4 stars; one submission).

Conditions:
Neuromuscular disease caused by qualitative or quantitative defects of dysferlin. Also called: Dysferlinopathy; Qualitative or quantitative defects of dysferlin. Identifiers: Orphanet 207073, MedGen C2931687, MONDO:0016145.

Submission:

Labcorp Genetics (formerly Invitae), Labcorp
Classification: Uncertain significance for Neuromuscular disease caused by qualitative or quantitative defects of dysferlin. Last evaluated: 2025-08-03. Review status: criteria provided, single submitter. Criteria: Invitae Variant Classification Sherloc (09022015). Collection method: clinical testing. Allele origin: germline.
Comment: This sequence change affects an acceptor splice site in intron 54 of the DYSF gene. While this variant is not anticipated to result in nonsense mediated decay, it likely alters RNA splicing and results in a disrupted protein product. This variant is not present in population databases (gnomAD no frequency). This variant has not been reported in the literature in individuals affected with DYSF-related conditions. Variants that disrupt the consensus splice site are a relatively common cause of aberrant splicing (PMID: 17576681, 9536098). Algorithms developed to predict the effect of sequence changes on RNA splicing suggest that this variant may disrupt the consensus splice site. In summary, the available evidence is currently insufficient to determine the role of this variant in disease. Therefore, it has been classified as a Variant of Uncertain Significance.

Literature cited by the submitters: PubMed 17576681; PubMed 9536098.